The following is an entry in ClinVar:

NM_080680.3(COL11A2):c.1397T>C (p.Val466Ala)

Gene: COL11A2 (collagen type XI alpha 2 chain; minus strand). Cytogenetic location: 6p21.32.
Variant type: single nucleotide variant.
Coding change: c.1397T>C on transcript NM_080680.3 (MANE Select); coding-DNA position 1397, T replaced by C.
Protein change: p.Val466Ala; replaces valine 466 with alanine.
Molecular consequence: missense variant.
Genome position (GRCh38, 1-based): chr6:33,179,768, A>G on the plus strand (T>C on the coding strand, the complement: COL11A2 is on the minus strand). VCF-style: chr6-33179768-A-G. GRCh37 (hg19) VCF-style: chr6-33147545-A-G.
Other names: c.1217T>C, p.Val406Ala (NM_001424108.1); c.551T>C, p.Val184Ala (NM_001424109.1); c.371T>C, p.Val124Ala (NM_001424110.1, NM_001424111.1); c.1076T>C, p.Val359Ala (NM_080679.3); c.1139T>C, p.Val380Ala (NM_080681.3); short protein forms V124A, V184A, V359A, V380A, V406A, V466A.
Identifiers: ClinVar variation 3899027 (VCV003899027.1).
Genomic context (GRCh38, chr6:33,179,768, plus strand): 5'-GCCCCACTCACCCTCGCCTGCTGCAGGATCGCCTGGGCCTGAGCCTCCTGGGCCGCCACC[A>G]CAGGGCCCTTGTCACCCCCACCACTGCCAAACCGGAACTGAGGTCAAGGAGAGAAGGTCC-3'
Protein context (NP_542411.2, residues 456-476): FGSGGGDKGP[Val466Ala]VAAQEAQAQA

ClinVar aggregate classification (germline): Uncertain significance (1 of 4 stars; one submission).

Submission:

GeneDx
Classification: Uncertain significance. Last evaluated: 2024-11-07. Review status: criteria provided, single submitter. Criteria: GeneDx Variant Classification Process June 2021. Collection method: clinical testing. Allele origin: germline. Affected: yes.
Comment: Not observed at significant frequency in large population cohorts (gnomAD); In silico analysis indicates that this missense variant does not alter protein structure/function; Has not been previously published as pathogenic or benign to our knowledge